The following is an entry in ClinVar:

NM_016203.4(PRKAG2):c.201C>T (p.Phe67=)

Gene: PRKAG2 (protein kinase AMP-activated non-catalytic subunit gamma 2; minus strand). Cytogenetic location: 7q36.1.
Variant type: single nucleotide variant.
Coding change: c.201C>T on transcript NM_016203.4 (MANE Select); coding-DNA position 201, C replaced by T.
Protein change: p.Phe67=; no amino-acid change (phenylalanine 67 retained).
Molecular consequence: synonymous variant.
Genome position (GRCh38, 1-based): chr7:151,781,417, G>A on the plus strand (C>T on the coding strand, the complement: PRKAG2 is on the minus strand). VCF-style: chr7-151781417-G-A. GRCh37 (hg19) VCF-style: chr7-151478503-G-A.
Other names: c.69C>T, p.Phe23= (NM_001040633.2).
Identifiers: ClinVar variation 629454 (VCV000629454.10), dbSNP rs759893229, ClinGen allele CA056435.

ClinVar aggregate classification (germline): Likely benign. Review status: criteria provided, multiple submitters, no conflicts (2 of 4 stars). 6 submissions from 6 submitters: Likely benign (6). Last evaluated 2026-05-15.

Conditions:
Lethal congenital glycogen storage disease of heart. Also called: GLYCOGEN STORAGE DISEASE OF HEART; PHOSPHORYLASE KINASE DEFICIENCY OF HEART. Identifiers: Orphanet 439854, MedGen C1849813, MONDO:0009867, OMIM 261740.
Cardiomyopathy (CMYO). Also called: Cardiomyopathies. Identifiers: Orphanet 167848, MedGen C0878544, MONDO:0004994, HP:0001638. Inheritance: Various modes of inheritance.
Hypertrophic cardiomyopathy. Also called: HYPERTROPHIC MYOCARDIOPATHY. Identifiers: Orphanet 217569, MedGen C0007194, MeSH D002312, MONDO:0005045, HP:0001639.

Allele frequency attached by ClinVar (database versions not stated): gnomAD exomes below 0.00001 and 0.00002; ExAC 0.00001; TOPMed 0.00001.
gnomAD v4.1: 7 of 1,607,412 alleles (0.00044%); highest among the groups gnomAD compares: East Asian, 0.0067%; no homozygotes.

Submissions (6):

Women's Health and Genetics/Laboratory Corporation of America, LabCorp
Classification: Likely benign. Last evaluated: 2026-05-15. Review status: criteria provided, single submitter. Criteria: LabCorp Variant Classification Summary - May 2015. Collection method: clinical testing. Allele origin: germline.

Molecular Diagnostic Laboratory for Inherited Cardiovascular Disease, Montreal Heart Institute
Classification: Likely benign. Last evaluated: 2025-04-09. Review status: criteria provided, single submitter. Criteria: ACMG Guidelines, 2015. Collection method: clinical testing. Allele origin: germline. Affected: no.

Labcorp Genetics (formerly Invitae), Labcorp
Classification: Likely benign for Lethal congenital glycogen storage disease of heart. Last evaluated: 2024-07-23. Review status: criteria provided, single submitter. Criteria: Invitae Variant Classification Sherloc (09022015). Collection method: clinical testing. Allele origin: germline.

Blueprint Genetics
Classification: Likely benign. Last evaluated: 2024-04-08. Review status: criteria provided, single submitter. Criteria: ACMG Guidelines, 2015. Collection method: clinical testing. Allele origin: germline.

All of Us Research Program, National Institutes of Health
Classification: Likely benign for Hypertrophic cardiomyopathy. Last evaluated: 2023-12-18. Review status: criteria provided, single submitter. Criteria: ACMG Guidelines, 2015. Collection method: clinical testing. Allele origin: germline. Inheritance: Autosomal dominant inheritance. Observed: 2 variant alleles, 2 heterozygotes.
Comment: This study involves interpretation of variants in research participants for the purpose of population health screening. Participant phenotype was not available at the time of variant classification. Additional details can be found in publication PMID: 35346344, PMCID: PMC8962531

Color Diagnostics, LLC DBA Color Health
Classification: Likely benign for Cardiomyopathy. Last evaluated: 2018-10-08. Review status: criteria provided, single submitter. Criteria: ACMG Guidelines, 2015. Collection method: clinical testing. Allele origin: germline.